The following is an entry in ClinVar:

NM_001042492.3(NF1):c.2512A>G (p.Ile838Val)

Gene: NF1 (neurofibromin 1; plus strand). Cytogenetic location: 17q11.2.
Variant type: single nucleotide variant.
Coding change: c.2512A>G on transcript NM_001042492.3 (MANE Select); coding-DNA position 2512, A replaced by G.
Protein change: p.Ile838Val; replaces isoleucine 838 with valine.
Molecular consequence: missense variant.
Genome position (GRCh38, 1-based): chr17:31,229,127, A>G. VCF-style: chr17-31229127-A-G. GRCh37 (hg19) VCF-style: chr17-29556145-A-G.
Other names: c.2512A>G, p.Ile838Val (NM_000267.4); short protein forms I838V.
Identifiers: ClinVar variation 1017913 (VCV001017913.9), dbSNP rs1555614212, ClinGen allele CA398984142.

ClinVar aggregate classification (germline): Conflicting classifications of pathogenicity. Review status: criteria provided, conflicting classifications (1 of 4 stars). 3 submissions from 3 submitters: Likely pathogenic (1); Uncertain significance (2). Last evaluated 2025-02-26.

Conditions:
Hereditary cancer-predisposing syndrome. Also called: Tumor predisposition; Hereditary Cancer Syndrome; Neoplastic Syndromes, Hereditary; Hereditary neoplastic syndrome. Identifiers: Orphanet 140162, MedGen C0027672, MeSH D009386, MONDO:0015356.
Cardiovascular phenotype. Identifiers: MedGen CN230736.
Neurofibromatosis, type 1 (NF1). Also called: VON RECKLINGHAUSEN DISEASE; Neurofibromatosis, type I; NEUROFIBROMATOSIS, TYPE I, SOMATIC; Peripheral type neurofibromatosis. Identifiers: Orphanet 636, MedGen C0027831, MONDO:0018975, OMIM 162200. Disease mechanism: loss of function.

gnomAD v4.1: 1 of 1,611,904 alleles (0.000062%); no homozygotes.

Submissions (3):

Ambry Genetics
Classification: Uncertain significance for Cardiovascular phenotype; Hereditary cancer-predisposing syndrome. Last evaluated: 2025-02-26. Review status: criteria provided, single submitter. Criteria: Ambry Variant Classification Scheme 2023. Collection method: clinical testing. Allele origin: germline.
Comment: The p.I838V variant (also known as c.2512A>G), located in coding exon 21 of the NF1 gene, results from an A to G substitution at nucleotide position 2512. The isoleucine at codon 838 is replaced by valine, an amino acid with highly similar properties. This amino acid position is highly conserved in available vertebrate species. In addition, the in silico prediction for this alteration is inconclusive. Based on the available evidence, the clinical significance of this variant remains unclear.

Institute for Biomarker Research, Medical Diagnostic Laboratories, L.L.C.
Classification: Likely pathogenic for Hereditary cancer-predisposing syndrome. Last evaluated: 2024-11-05. Review status: criteria provided, single submitter. Criteria: ACMG Guidelines, 2015. Collection method: clinical testing. Allele origin: germline.
Comment: The missense variant NM_000267.3(NF1):c.2512A>G (p.Ile838Val) has not been reported previously as a pathogenic variant nor as a benign variant, to our knowledge. The p.Ile838Val variant is novel (not in any individuals) in gnomAD. The p.Ile838Val variant is novel (not in any individuals) in 1kG. There is a small physicochemical difference between isoleucine and valine, which is not likely to impact secondary protein structure as these residues share similar properties.The p.Ile838Val missense variant is predicted to be damaging by both SIFT and PolyPhen2. The isoleucine residue at codon 838 of NF1 is conserved in all mammalian species. The nucleotide c.2512 in NF1 is predicted conserved by GERP++ and PhyloP across 100 vertebrates. For these reasons, this variant has been classified as Likely Pathogenic

Labcorp Genetics (formerly Invitae), Labcorp
Classification: Uncertain significance for Neurofibromatosis, type 1. Last evaluated: 2020-03-02. Review status: criteria provided, single submitter. Criteria: Invitae Variant Classification Sherloc (09022015). Collection method: clinical testing. Allele origin: germline.
Comment: In summary, the available evidence is currently insufficient to determine the role of this variant in disease. Therefore, it has been classified as a Variant of Uncertain Significance. Algorithms developed to predict the effect of missense changes on protein structure and function are either unavailable or do not agree on the potential impact of this missense change (SIFT: "Tolerated"; PolyPhen-2: "Possibly Damaging"; Align-GVGD: "Class C0"). This variant has not been reported in the literature in individuals with NF1-related conditions. This variant is not present in population databases (ExAC no frequency). This sequence change replaces isoleucine with valine at codon 838 of the NF1 protein (p.Ile838Val). The isoleucine residue is moderately conserved and there is a small physicochemical difference between isoleucine and valine.